The following is an entry in ClinVar:

NM_000388.4(CASR):c.2803C>A (p.Pro935Thr)

Gene: CASR (calcium sensing receptor; plus strand). Cytogenetic location: 3q21.1.
Variant type: single nucleotide variant.
Coding change: c.2803C>A on transcript NM_000388.4 (MANE Select); coding-DNA position 2803, C replaced by A.
Protein change: p.Pro935Thr; replaces proline 935 with threonine.
Molecular consequence: missense variant.
Genome position (GRCh38, 1-based): chr3:122,284,757, C>A. VCF-style: chr3-122284757-C-A. GRCh37 (hg19) VCF-style: chr3-122003604-C-A.
Other names: c.2833C>A, p.Pro945Thr (NM_001178065.2); c.2833C>A (NM_001178065.1); short protein forms P935T, P945T.
Identifiers: ClinVar variation 660862 (VCV000660862.16), dbSNP rs201449422, ClinGen allele CA82749257.
Genomic context (GRCh38, chr3:122,284,757, plus strand): 5'-AGCAGCAAGAGCAACAGCGAAGACCCATTCCCACAGCCCGAGAGGCAGAAGCAGCAGCAG[C>A]CGCTGGCCCTAACCCAGCAAGAGCAGCAGCAGCAGCCCCTGACCCTCCCACAGCAGCAAC-3'
Protein context (NP_000379.3, residues 925-945): PQPERQKQQQ[Pro935Thr]LALTQQEQQQ

ClinVar aggregate classification (germline): Conflicting classifications of pathogenicity. Review status: criteria provided, conflicting classifications (1 of 4 stars). 5 submissions from 5 submitters: Uncertain significance (4); Likely benign (1). Last evaluated 2025-09-03.

Conditions:
Nephrolithiasis/nephrocalcinosis. Identifiers: MedGen CN580796.
CASR-related disorder. Also called: CASR-related condition.
Autosomal dominant hypocalcemia 1 (HYPOC1). Also called: HYPOCALCEMIA, FAMILIAL. Identifiers: MedGen C3715128, MONDO:0011013, OMIM 601198.
Familial hypocalciuric hypercalcemia (FHH). Also called: Familial benign hypercalcemia. Identifiers: Orphanet 405, MedGen C1809471, MONDO:0018458.
Epilepsy, idiopathic generalized, susceptibility to, 8. Identifiers: MedGen C2752062, MONDO:0013032, OMIM 612899.
Neonatal severe primary hyperparathyroidism. Identifiers: Orphanet 417, MedGen C1832615, MONDO:0009397, OMIM 239200.
Familial hypocalciuric hypercalcemia 1. Also called: Hypercalcemia, familial benign type 1. Identifiers: Orphanet 405, Orphanet 93372, MedGen C0342637, MONDO:0007791, OMIM 145980.

Allele frequency attached by ClinVar (database versions not stated): gnomAD exomes 0.00001; gnomAD 0.00009; TOPMed 0.00017.
gnomAD v4.1: 21 of 1,614,076 alleles (0.0013%); highest among the groups gnomAD compares: Admixed American, 0.028%; no homozygotes.

Submissions (5):

Labcorp Genetics (formerly Invitae), Labcorp
Classification: Likely benign for Familial hypocalciuric hypercalcemia; Autosomal dominant hypocalcemia 1. Last evaluated: 2025-09-03. Review status: criteria provided, single submitter. Criteria: Invitae Variant Classification Sherloc (09022015). Collection method: clinical testing. Allele origin: germline.

PreventionGenetics, part of Exact Sciences
Classification: Uncertain significance for CASR-related condition. Last evaluated: 2024-12-24. Review status: criteria provided, single submitter. Criteria: ACMG Guidelines, 2015. Collection method: clinical testing. Allele origin: germline.
Comment: The CASR c.2833C>A variant is predicted to result in the amino acid substitution p.Pro945Thr. To our knowledge, this variant has not been reported in the literature. This variant is reported in 0.0029% of alleles in individuals of Latino descent in gnomAD. At this time, the clinical significance of this variant is uncertain due to the absence of conclusive functional and genetic evidence.

Fulgent Genetics
Classification: Uncertain significance for Familial hypocalciuric hypercalcemia 1; Neonatal severe primary hyperparathyroidism; Autosomal dominant hypocalcemia 1; Epilepsy, idiopathic generalized, susceptibility to, 8. Last evaluated: 2024-06-20. Review status: criteria provided, single submitter. Criteria: ACMG Guidelines, 2015. Collection method: clinical testing. Allele origin: germline.

Women's Health and Genetics/Laboratory Corporation of America, LabCorp
Classification: Uncertain significance. Last evaluated: 2024-05-05. Review status: criteria provided, single submitter. Criteria: LabCorp Variant Classification Summary - May 2015. Collection method: clinical testing. Allele origin: germline.
Comment: Variant summary: CASR c.2803C>A (p.Pro935Thr) results in a non-conservative amino acid change in the encoded protein sequence. Three of five in-silico tools predict a benign effect of the variant on protein function. The variant allele was found at a frequency of 8e-06 in 250974 control chromosomes (gnomAD). The available data on variant occurrences in the general population are insufficient to allow any conclusion about variant significance. To our knowledge, no occurrence of c.2803C>A in individuals affected with autosomal dominant hypocalcemia/Familial Hypocalciuric Hypercalcemia/Neonatal Severe Hyperparathyroidism and no experimental evidence demonstrating its impact on protein function have been reported. ClinVar contains an entry for this variant (Variation ID: 660862). Based on the evidence outlined above, the variant was classified as uncertain significance.

Ambry Genetics
Classification: Uncertain significance for Nephrolithiasis/nephrocalcinosis. Last evaluated: 2023-11-03. Review status: criteria provided, single submitter. Criteria: Ambry Variant Classification Scheme 2023. Collection method: clinical testing. Allele origin: germline.